The following is an entry in ClinVar:

NM_178857.6(RP1L1):c.499A>T (p.Thr167Ser)

Gene: RP1L1 (RP1 like 1). Cytogenetic location: 8p23.1.
Variant type: single nucleotide variant.
Coding change: c.499A>T on transcript NM_178857.6 (MANE Select); coding-DNA position 499, A replaced by T.
Protein change: p.Thr167Ser; replaces threonine 167 with serine.
Molecular consequence: missense variant.
Genome position (GRCh38, 1-based): chr8:10,622,703, T>A on the plus strand (A>T on the coding strand, the complement: RP1L1 is on the minus strand). VCF-style: chr8-10622703-T-A. GRCh37 (hg19) VCF-style: chr8-10480213-T-A.
Other names: c.499A>T (NM_178857.5); short protein forms T167S.
Identifiers: ClinVar variation 1372901 (VCV001372901.7), dbSNP rs762735738, ClinGen allele CA370299981.

ClinVar aggregate classification (germline): Uncertain significance. Review status: criteria provided, multiple submitters, no conflicts (2 of 4 stars). 3 submissions from 3 submitters: Uncertain significance (3). Last evaluated 2024-12-07.

Conditions:
Inborn genetic diseases. Identifiers: MedGen C0950123, MeSH D030342.

gnomAD v4.1: 12 of 1,614,188 alleles (0.00074%); highest among the groups gnomAD compares: Non-Finnish European, 0.001%; no homozygotes.

Submissions (3):

Labcorp Genetics (formerly Invitae), Labcorp
Classification: Uncertain significance. Last evaluated: 2024-12-07. Review status: criteria provided, single submitter. Criteria: Invitae Variant Classification Sherloc (09022015). Collection method: clinical testing. Allele origin: germline.
Comment: This sequence change replaces threonine, which is neutral and polar, with serine, which is neutral and polar, at codon 167 of the RP1L1 protein (p.Thr167Ser). This variant is not present in population databases (gnomAD no frequency). This variant has not been reported in the literature in individuals affected with RP1L1-related conditions. ClinVar contains an entry for this variant (Variation ID: 1372901). Invitae Evidence Modeling of protein sequence and biophysical properties (such as structural, functional, and spatial information, amino acid conservation, physicochemical variation, residue mobility, and thermodynamic stability) indicates that this missense variant is not expected to disrupt RP1L1 protein function with a negative predictive value of 80%. In summary, the available evidence is currently insufficient to determine the role of this variant in disease. Therefore, it has been classified as a Variant of Uncertain Significance.

Ambry Genetics
Classification: Uncertain significance for Inborn genetic diseases. Last evaluated: 2023-06-22. Review status: criteria provided, single submitter. Criteria: Ambry Variant Classification Scheme 2023. Collection method: clinical testing. Allele origin: germline.

Blueprint Genetics
Classification: Uncertain significance. Last evaluated: 2020-08-25. Review status: criteria provided, single submitter. Criteria: ACMG Guidelines, 2015. Collection method: clinical testing. Allele origin: germline.